The following is an entry in ClinVar:

NM_007294.4(BRCA1):c.36A>G (p.Gln12=)

Gene: BRCA1 (BRCA1 DNA repair associated; minus strand). Cytogenetic location: 17q21.31.
Variant type: single nucleotide variant.
Coding change: c.36A>G on transcript NM_007294.4 (MANE Select); coding-DNA position 36, A replaced by G.
Protein change: p.Gln12=; no amino-acid change (glutamine 12 retained).
Molecular consequence: synonymous variant. On other transcripts: intron variant (36), 5 prime UTR variant (136).
Genome position (GRCh38, 1-based): chr17:43,124,061, T>C on the plus strand (A>G on the coding strand, the complement: BRCA1 is on the minus strand). VCF-style: chr17-43124061-T-C. GRCh37 (hg19) VCF-style: chr17-41276078-T-C.
Other names: c.-178+1216A>G (NM_001407746.1); c.-219+1210A>G (NM_001407966.1); c.-170+1210A>G (NM_001407963.1); c.-8+1210A>G (NM_001408511.1, NM_001408457.1, NM_001407692.1); c.-224+1210A>G (NM_001407960.1); c.-62+1210A>G (NM_001408505.1, NM_001407964.1, NM_001407844.1 and 6 more transcripts); c.-109+1121A>G (NM_001407896.1); c.-225+1121A>G (NM_001407900.1); and 23 more.
Identifiers: ClinVar variation 230602 (VCV000230602.22), dbSNP rs763230080, ClinGen allele CA055804.
Genomic context (GRCh38, chr17:43,124,061, plus strand): 5'-TCTTGTGCTGACTTACCAGATGGGACACTCTAAGATTTTCTGCATAGCATTAATGACATT[T>C]TGTACTTCTTCAACGCGAAGAGCAGATAAATCCATTTCTTTCTGTTCCAATGAACTTTAA-3'
Protein context (NP_009225.1, residues 2-22): DLSALRVEEV[Gln12=]NVINAMQKIL

ClinVar aggregate classification (germline): Likely benign. Review status: reviewed by expert panel (3 of 4 stars). 6 submissions from 6 submitters: Likely benign (1). 5 of the submissions do not count toward it. Last evaluated 2017-06-29.

Conditions:
Hereditary cancer-predisposing syndrome. Also called: Tumor predisposition; Hereditary Cancer Syndrome; Neoplastic Syndromes, Hereditary; Hereditary neoplastic syndrome. Identifiers: Orphanet 140162, MedGen C0027672, MeSH D009386, MONDO:0015356.
Hereditary breast ovarian cancer syndrome. Also called: Breast and ovarian cancer; Hereditary breast and ovarian cancer; Hereditary breast and ovarian cancer syndrome; Hereditary breast and/or ovarian cancer syndrome; BRCA1- and BRCA2-Associated Hereditary Breast and Ovarian Cancer; Hereditary breast and ovarian cancer syndrome (HBOC). Identifiers: Orphanet 145, MedGen C0677776, MeSH D061325, MONDO:0003582. Disease mechanism: loss of function.
Breast-ovarian cancer, familial, susceptibility to, 1 (BROVCA1). Also called: BRCA1 Hereditary Breast and Ovarian Cancer; OVARIAN CANCER, SUSCEPTIBILITY TO. Identifiers: Orphanet 145, MedGen C2676676, MONDO:0011450, OMIM 604370. Disease mechanism: loss of function.

Allele frequency attached by ClinVar (database versions not stated): gnomAD exomes 0.00002 and 0.00004; ExAC 0.00003.
gnomAD v4.1: 27 of 1,613,926 alleles (0.0017%); highest among the groups gnomAD compares: South Asian, 0.029%; 1 homozygote.

Submissions (7):

Evidence-based Network for the Interpretation of Germline Mutant Alleles (ENIGMA)
Classification: Likely benign for Breast-ovarian cancer, familial, susceptibility to, 1. Last evaluated: 2017-06-29. Review status: reviewed by expert panel. Criteria: ENIGMA BRCA1/2 Classification Criteria (2017-06-29). Collection method: curation. Allele origin: germline.
Comment: Synonymous substitution variant, with low bioinformatic likelihood to result in a splicing aberration (Splicing prior probability 0.02).

Labcorp Genetics (formerly Invitae), Labcorp
Classification: Likely benign for Hereditary breast ovarian cancer syndrome. Last evaluated: 2026-01-30. Review status: criteria provided, single submitter. Criteria: Invitae Variant Classification Sherloc (09022015). Collection method: clinical testing. Allele origin: germline. Not counted in ClinVar's aggregate classification.

Cancer Genetics and Genomics Laboratory, British Columbia Cancer Agency
Classification: Likely benign. Last evaluated: 2017-04-18. Review status: criteria provided, single submitter. Criteria: ACMG Guidelines, 2015. Collection method: clinical testing. Allele origin: germline. Study: The Canadian Open Genetics Repository (COGR). Not counted in ClinVar's aggregate classification.

GeneDx
Classification: Likely benign. Last evaluated: 2017-03-07. Review status: criteria provided, single submitter. Criteria: GeneDx Variant Classification (06012015). Collection method: clinical testing. Allele origin: germline. Affected: yes. Not counted in ClinVar's aggregate classification.
Comment: This variant is considered likely benign or benign based on one or more of the following criteria: it is a conservative change, it occurs at a poorly conserved position in the protein, it is predicted to be benign by multiple in silico algorithms, and/or has population frequency not consistent with disease.

Quest Diagnostics Nichols Institute San Juan Capistrano
Classification: Likely benign. Last evaluated: 2017-01-30. Review status: criteria provided, single submitter. Criteria: Quest Diagnostics criteria. Collection method: clinical testing. Allele origin: germline. Not counted in ClinVar's aggregate classification.

Ambry Genetics
Classification: Likely benign for Hereditary cancer-predisposing syndrome. Last evaluated: 2015-03-02. Review status: criteria provided, single submitter. Criteria: Ambry Variant Classification Scheme 2023. Collection method: clinical testing. Allele origin: germline. Not counted in ClinVar's aggregate classification.

Brotman Baty Institute, University of Washington
No classification provided (evidence only). Condition: Breast-ovarian cancer, familial 1. Review status: no classification provided. Collection method: in vitro. Allele origin: not applicable. Functional consequence: functionally_normal. Not counted in ClinVar's aggregate classification.
ClinVar note: "not provided" was previously submitted as the classification for the variant. However, the classification appeared to be based only on an observation of functional data so it was converted to no classification on 2025-07-30.